The following is an entry in ClinVar:

NM_002519.3(NPAT):c.1066C>T (p.Pro356Ser)

Gene: NPAT (nuclear protein, coactivator of histone transcription; minus strand). Cytogenetic location: 11q22.3.
Variant type: single nucleotide variant.
Coding change: c.1066C>T on transcript NM_002519.3 (MANE Select); coding-DNA position 1066, C replaced by T.
Protein change: p.Pro356Ser; replaces proline 356 with serine.
Molecular consequence: missense variant.
Genome position (GRCh38, 1-based): chr11:108,176,312, G>A on the plus strand (C>T on the coding strand, the complement: NPAT is on the minus strand). VCF-style: chr11-108176312-G-A. GRCh37 (hg19) VCF-style: chr11-108047039-G-A.
Other names: c.1066C>T, p.Pro356Ser (NM_001321307.1); short protein forms P356S.
Identifiers: ClinVar variation 1781931 (VCV001781931.2), dbSNP rs2078005467, ClinGen allele CA382516871.

ClinVar aggregate classification (germline): Uncertain significance (1 of 4 stars; one submission).

Allele frequency attached by ClinVar (database versions not stated): gnomAD 0.00001; TOPMed 0.00001.
gnomAD v4.1: 2 of 1,573,156 alleles (0.00013%); highest among the groups gnomAD compares: African/African-American, 0.0027%; no homozygotes.

Submission:

Ambry Genetics
Classification: Uncertain significance. Last evaluated: 2021-12-12. Review status: criteria provided, single submitter. Criteria: Ambry Variant Classification Scheme 2023. Collection method: clinical testing. Allele origin: germline.
Comment: The p.P356S variant (also known as c.1066C>T), located in coding exon 12 of the NPAT gene, results from a C to T substitution at nucleotide position 1066. The proline at codon 356 is replaced by serine, an amino acid with similar properties. This amino acid position is conserved. In addition, this alteration is predicted to be tolerated by in silico analysis. Since supporting evidence is limited at this time, the clinical significance of this alteration remains unclear.